The following is an entry in ClinVar:

NM_001256715.2(DNAAF3):c.86-1G>T

Genes: DNAAF3 (dynein axonemal assembly factor 3; minus strand), DNAAF3-AS1 (DNAAF3 antisense RNA 1; plus strand). Cytogenetic location: 19q13.42.
Variant type: single nucleotide variant.
Coding change: c.86-1G>T on transcript NM_001256715.2 (MANE Select); the canonical splice acceptor site of the intron before coding-DNA position 86, G replaced by T.
Molecular consequence: splice acceptor variant. On other transcripts: missense variant (1).
Genome position (GRCh38, 1-based): chr19:55,166,001, C>A on the plus strand (G>T on the coding strand, the complement: DNAAF3 is on the minus strand). VCF-style: chr19-55166001-C-A. GRCh37 (hg19) VCF-style: chr19-55677369-C-A.
Other names: c.289G>T, p.Gly97Cys (NM_001256714.1); c.227-1G>T (NM_178837.4); c.-153-1G>T (NM_001256716.2); short protein forms G97C.
Identifiers: ClinVar variation 1962678 (VCV001962678.5), dbSNP rs1275579676, ClinGen allele CA407461880.

ClinVar aggregate classification (germline): Uncertain significance (1 of 4 stars; one submission).

Conditions:
Primary ciliary dyskinesia. Also called: Ciliary dyskinesia. Identifiers: Orphanet 244, MedGen C0008780, MONDO:0016575, HP:0012265.

Allele frequency attached by ClinVar (database versions not stated): TOPMed below 0.00001; gnomAD 0.00001; gnomAD exomes 0.00001.

Submission:

Labcorp Genetics (formerly Invitae), Labcorp
Classification: Uncertain significance for Primary ciliary dyskinesia. Last evaluated: 2022-02-20. Review status: criteria provided, single submitter. Criteria: Invitae Variant Classification Sherloc (09022015). Collection method: clinical testing. Allele origin: germline.
Comment: In summary, the available evidence is currently insufficient to determine the role of this variant in disease. Therefore, it has been classified as a Variant of Uncertain Significance. Algorithms developed to predict the effect of sequence changes on RNA splicing suggest that this variant may disrupt the consensus splice site. Algorithms developed to predict the effect of missense changes on protein structure and function are either unavailable or do not agree on the potential impact of this missense change (SIFT: "Tolerated"; PolyPhen-2: "Possibly Damaging"; Align-GVGD: "Class C0"). This variant has not been reported in the literature in individuals affected with DNAAF3-related conditions. This variant is present in population databases (no rsID available, gnomAD 0.0009%). This sequence change replaces glycine, which is neutral and non-polar, with cysteine, which is neutral and slightly polar, at codon 97 of the DNAAF3 protein (p.Gly97Cys).